The following is an entry in ClinVar:

NM_006231.4(POLE):c.4936G>C (p.Ala1646Pro)

Gene: POLE (DNA polymerase epsilon, catalytic subunit; minus strand). Cytogenetic location: 12q24.33.
Variant type: single nucleotide variant.
Coding change: c.4936G>C on transcript NM_006231.4 (MANE Select); coding-DNA position 4936, G replaced by C.
Protein change: p.Ala1646Pro; replaces alanine 1646 with proline.
Molecular consequence: missense variant.
Genome position (GRCh38, 1-based): chr12:132,642,522, C>G on the plus strand (G>C on the coding strand, the complement: POLE is on the minus strand). VCF-style: chr12-132642522-C-G. GRCh37 (hg19) VCF-style: chr12-133219108-C-G.
Other names: short protein forms A1646P.
Identifiers: ClinVar variation 540763 (VCV000540763.8), dbSNP rs1555222550, ClinGen allele CA387377860.

ClinVar aggregate classification (germline): Uncertain significance (1 of 4 stars; one submission).

Submission:

Labcorp Genetics (formerly Invitae), Labcorp
Classification: Uncertain significance. Last evaluated: 2017-11-19. Review status: criteria provided, single submitter. Criteria: Invitae Variant Classification Sherloc (09022015). Collection method: clinical testing. Allele origin: germline.
Comment: This sequence change replaces alanine with proline at codon 1646 of the POLE protein (p.Ala1646Pro). The alanine residue is moderately conserved and there is a small physicochemical difference between alanine and proline. This variant is not present in population databases (ExAC no frequency). This variant has not been reported in the literature in individuals with POLE-related disease. Algorithms developed to predict the effect of missense changes on protein structure and function do not agree on the potential impact of this missense change (SIFT: "Tolerated"; PolyPhen-2: "Possibly Damaging"; Align-GVGD: "Class C0"). In summary, the available evidence is currently insufficient to determine the role of this variant in disease. Therefore, it has been classified as a Variant of Uncertain Significance.